The following is an entry in ClinVar:

ClinVar aggregate classification (germline): Uncertain significance (1 of 4 stars; one submission).

Submission:

GeneDx
Classification: Uncertain significance. Last evaluated: 2021-01-15. Review status: criteria provided, single submitter. Criteria: GeneDx Variant Classification Process June 2021. Collection method: clinical testing. Allele origin: germline. Affected: yes.
Comment: Not observed in large population cohorts (Lek et al., 2016); In silico analysis supports that this missense variant does not alter protein structure/function; Has not been previously published as pathogenic or benign to our knowledge

NM_002578.5(PAK3):c.452T>C (p.Ile151Thr)

Gene: PAK3 (p21 (RAC1) activated kinase 3; plus strand). Cytogenetic location: Xq23.
Variant type: single nucleotide variant.
Coding change: c.452T>C on transcript NM_002578.5 (MANE Select); coding-DNA position 452, T replaced by C.
Protein change: p.Ile151Thr; replaces isoleucine 151 with threonine.
Molecular consequence: missense variant. On other transcripts: non-coding transcript variant (2).
Genome position (GRCh38, 1-based): chrX:111,152,431, T>C. VCF-style: chrX-111152431-T-C. GRCh37 (hg19) VCF-style: chrX-110395659-T-C.
Other names: c.452T>C, p.Ile151Thr (NM_001128166.3, NM_001128167.3, NM_001324325.2 and 5 more transcripts); c.560T>C, p.Ile187Thr (NM_001128168.3); c.515T>C, p.Ile172Thr (NM_001128172.2); c.497T>C, p.Ile166Thr (NM_001128173.3, NM_001324327.2, NM_001324328.2 and 2 more transcripts); short protein forms I151T, I166T, I172T, I187T.
Identifiers: ClinVar variation 1314014 (VCV001314014.2), dbSNP rs760977173, ClinGen allele CA414236217.